The following is an entry in ClinVar:

NM_001382241.1(TNPO2):c.219C>T (p.Asn73=)

Gene: TNPO2 (transportin 2; minus strand). Cytogenetic location: 19p13.13.
Variant type: single nucleotide variant.
Coding change: c.219C>T on transcript NM_001382241.1 (MANE Select); coding-DNA position 219, C replaced by T.
Protein change: p.Asn73=; no amino-acid change (asparagine 73 retained).
Molecular consequence: synonymous variant. On other transcripts: non-coding transcript variant (6).
Genome position (GRCh38, 1-based): chr19:12,719,135, G>A on the plus strand (C>T on the coding strand, the complement: TNPO2 is on the minus strand). VCF-style: chr19-12719135-G-A. GRCh37 (hg19) VCF-style: chr19-12829949-G-A.
Other names: c.219C>T, p.Asn73= (NM_001136195.2, NM_001136196.2, NM_001382236.1 and 7 more transcripts).
Identifiers: ClinVar variation 4821290 (VCV004821290.4).

ClinVar aggregate classification (germline): Likely benign (1 of 4 stars; one submission).

gnomAD v4.1: 632 of 1,613,896 alleles (0.039%); highest among the groups gnomAD compares: South Asian, 0.058%; no homozygotes.

Submission:

CeGaT Center for Human Genetics Tuebingen
Classification: Likely benign. Last evaluated: 2026-07-01. Review status: criteria provided, single submitter. Criteria: CeGaT Center For Human Genetics Tuebingen Variant Classification Criteria Version 2. Collection method: clinical testing. Allele origin: germline. Affected: yes. Observed: 2 variant alleles.
Comment: TNPO2: BP4, BP7